The following is an entry in ClinVar:

ClinVar aggregate classification (germline): Uncertain significance. Review status: criteria provided, multiple submitters, no conflicts (2 of 4 stars). 2 submissions from 2 submitters: Uncertain significance (2). Last evaluated 2023-08-28.

Allele frequency attached by ClinVar (database versions not stated): gnomAD 0.00001; TOPMed 0.00002.
gnomAD v4.1: 24 of 1,523,676 alleles (0.0016%); highest among the groups gnomAD compares: Non-Finnish European, 0.002%; no homozygotes.

Submissions (2):

Blueprint Genetics
Classification: Uncertain significance. Last evaluated: 2023-08-28. Review status: criteria provided, single submitter. Criteria: ACMG Guidelines, 2015. Collection method: clinical testing. Allele origin: germline.

Labcorp Genetics (formerly Invitae), Labcorp
Classification: Uncertain significance. Last evaluated: 2022-11-29. Review status: criteria provided, single submitter. Criteria: Invitae Variant Classification Sherloc (09022015). Collection method: clinical testing. Allele origin: germline.
Comment: The frequency data for this variant in the population databases is considered unreliable, as metrics indicate poor data quality at this position in the gnomAD database. In summary, the available evidence is currently insufficient to determine the role of this variant in disease. Therefore, it has been classified as a Variant of Uncertain Significance. Algorithms developed to predict the effect of missense changes on protein structure and function output the following: SIFT: "Tolerated"; PolyPhen-2: "Benign"; Align-GVGD: "Class C0". The glycine amino acid residue is found in multiple mammalian species, which suggests that this missense change does not adversely affect protein function. ClinVar contains an entry for this variant (Variation ID: 1026229). This variant has not been reported in the literature in individuals affected with CNGA1-related conditions. This sequence change replaces serine, which is neutral and polar, with glycine, which is neutral and non-polar, at codon 114 of the CNGA1 protein (p.Ser114Gly).

NM_001379270.1(CNGA1):c.328A>G (p.Ser110Gly)

Genes: CNGA1 (cyclic nucleotide gated channel subunit alpha 1; minus strand), LOC101927157 (uncharacterized LOC101927157; plus strand). Cytogenetic location: 4p12.
Variant type: single nucleotide variant.
Coding change: c.328A>G on transcript NM_001379270.1 (MANE Select); coding-DNA position 328, A replaced by G.
Protein change: p.Ser110Gly; replaces serine 110 with glycine.
Molecular consequence: missense variant.
Genome position (GRCh38, 1-based): chr4:47,943,372, T>C on the plus strand (A>G on the coding strand, the complement: CNGA1 is on the minus strand). VCF-style: chr4-47943372-T-C. GRCh37 (hg19) VCF-style: chr4-47945389-T-C.
Other names: c.328A>G, p.Ser110Gly (NM_000087.5, NM_001142564.2); short protein forms S110G.
Identifiers: ClinVar variation 1026229 (VCV001026229.7), dbSNP rs952618231, ClinGen allele CA356832394.